The following is an entry in ClinVar:

NM_004260.4(RECQL4):c.3495C>T (p.His1165=)

Gene: RECQL4 (RecQ like helicase 4; minus strand). Cytogenetic location: 8q24.3.
Variant type: single nucleotide variant.
Coding change: c.3495C>T on transcript NM_004260.4 (MANE Select); coding-DNA position 3495, C replaced by T.
Protein change: p.His1165=; no amino-acid change (histidine 1165 retained).
Molecular consequence: synonymous variant.
Genome position (GRCh38, 1-based): chr8:144,511,688, G>A on the plus strand (C>T on the coding strand, the complement: RECQL4 is on the minus strand). VCF-style: chr8-144511688-G-A. GRCh37 (hg19) VCF-style: chr8-145737071-G-A.
Other names: p.His1165=.
Identifiers: ClinVar variation 239764 (VCV000239764.42), dbSNP rs202083938, ClinGen allele CA4947718.
Genomic context (GRCh38, chr8:144,511,688, plus strand): 5'-CTGCCCCAGCCCCCAGCCCCAGCCTGCAGCGGGTGGGGCCTCCCAGGCCTCACCGATGCC[G>A]TGGAAGATGCGGGCCACAGCCCTGCTGGAGAACTTCTCCTCTGGCCTCAGGGACAGGAAC-3'
Protein context (NP_004251.4, residues 1155-1175): FSSRAVARIF[His1165=]GIGSPCYPAQ

ClinVar aggregate classification (germline): Benign/Likely benign. Review status: criteria provided, multiple submitters, no conflicts (2 of 4 stars). 9 submissions from 9 submitters: Benign (1); Likely benign (5). 3 of the submissions do not count toward it. Last evaluated 2026-01-29.

Conditions:
RECQL4-related disorder. Also called: RECQL4-related disorders; RECQL4-related condition.
Hereditary cancer-predisposing syndrome. Also called: Tumor predisposition; Hereditary Cancer Syndrome; Neoplastic Syndromes, Hereditary; Hereditary neoplastic syndrome. Identifiers: Orphanet 140162, MedGen C0027672, MeSH D009386, MONDO:0015356.
Baller-Gerold syndrome (BGS). Also called: CRANIOSYNOSTOSIS WITH RADIAL DEFECTS. Identifiers: Orphanet 1225, MedGen C0265308, MONDO:0009039, OMIM 218600.

Allele frequency attached by ClinVar (database versions not stated): gnomAD 0.00025 and 0.00026; gnomAD exomes 0.00027; ExAC 0.00031; ESP Exome Variant Server 0.00032; TOPMed 0.00033.
gnomAD v4.1: 553 of 1,612,256 alleles (0.034%); highest among the groups gnomAD compares: Non-Finnish European, 0.042%; 1 homozygote.

Submissions (9):

Labcorp Genetics (formerly Invitae), Labcorp
Classification: Benign for Baller-Gerold syndrome. Last evaluated: 2026-01-29. Review status: criteria provided, single submitter. Criteria: Invitae Variant Classification Sherloc (09022015). Collection method: clinical testing. Allele origin: germline.

Mayo Clinic Laboratories, Mayo Clinic
Classification: Likely benign. Last evaluated: 2025-09-16. Review status: criteria provided, single submitter. Criteria: ACMG Guidelines, 2015. Collection method: clinical testing. Allele origin: germline. Observed: 1 variant allele.
Comment: BP4, BP7

Blueprint Genetics
Classification: Likely benign. Last evaluated: 2024-10-18. Review status: criteria provided, single submitter. Criteria: ACMG Guidelines, 2015. Collection method: clinical testing. Allele origin: germline.

CeGaT Center for Human Genetics Tuebingen
Classification: Likely benign. Last evaluated: 2024-05-01. Review status: criteria provided, single submitter. Criteria: CeGaT Center For Human Genetics Tuebingen Variant Classification Criteria Version 2. Collection method: clinical testing. Allele origin: germline. Affected: yes. Observed: 4 variant alleles.
Comment: RECQL4: BP4, BP7

Sema4
Classification: Likely benign for Hereditary cancer-predisposing syndrome. Last evaluated: 2021-12-16. Review status: criteria provided, single submitter. Criteria: Sema4 Curation Guidelines. Collection method: curation. Allele origin: germline.

GeneDx
Classification: Likely benign. Last evaluated: 2021-06-15. Review status: criteria provided, single submitter. Criteria: GeneDx Variant Classification Process June 2021. Collection method: clinical testing. Allele origin: germline. Affected: yes.

PreventionGenetics, part of Exact Sciences
Classification: Likely benign for RECQL4-related condition. Last evaluated: 2022-09-21. Review status: no assertion criteria provided. Collection method: clinical testing. Allele origin: germline. Not counted in ClinVar's aggregate classification.
Comment: This variant is classified as likely benign based on ACMG/AMP sequence variant interpretation guidelines (Richards et al. 2015 PMID: 25741868, with internal and published modifications).

Clinical Genetics DNA and cytogenetics Diagnostics Lab, Erasmus MC, Erasmus Medical Center
Classification: Likely benign. Review status: no assertion criteria provided. Collection method: clinical testing. Allele origin: germline. Affected: yes. Study: VKGL Data-share Consensus. Not counted in ClinVar's aggregate classification.

Genome Diagnostics Laboratory, University Medical Center Utrecht
Classification: Likely benign. Review status: no assertion criteria provided. Collection method: clinical testing. Allele origin: germline. Affected: yes. Study: VKGL Data-share Consensus. Not counted in ClinVar's aggregate classification.